The following is an entry in ClinVar:

NM_206927.4(SYTL2):c.1960A>G (p.Lys654Glu)

Gene: SYTL2 (synaptotagmin like 2; minus strand). Cytogenetic location: 11q14.1.
Variant type: single nucleotide variant.
Coding change: c.1960A>G on transcript NM_206927.4 (MANE Select); coding-DNA position 1960, A replaced by G.
Protein change: p.Lys654Glu; replaces lysine 654 with glutamic acid.
Molecular consequence: missense variant. On other transcripts: intron variant (25).
Genome position (GRCh38, 1-based): chr11:85,727,398, T>C on the plus strand (A>G on the coding strand, the complement: SYTL2 is on the minus strand). VCF-style: chr11-85727398-T-C. GRCh37 (hg19) VCF-style: chr11-85438441-T-C.
Other names: c.1957A>G, p.Lys653Glu (NM_001394447.1, NM_206928.4); c.1960A>G, p.Lys654Glu (NM_001394448.1, NM_001394449.1, NM_001394452.1); c.1879A>G, p.Lys627Glu (NM_001394450.1, NM_001394473.1); c.1876A>G, p.Lys626Glu (NM_001394451.1); c.1378+498A>G (NM_001394468.1, NM_001394464.1, NM_001394461.1); c.1381+498A>G (NM_001394471.1, NM_001394462.1, NM_001394472.1 and 1 more transcripts); c.1459+498A>G (NM_001394458.1, NM_001394459.1, NM_001394456.1 and 6 more transcripts); c.1462+498A>G (NM_001394453.1, NM_001162953.4, NM_001365826.2 and 1 more transcripts); and 3 more; short protein forms K626E, K627E, K653E, K654E.
Identifiers: ClinVar variation 2642246 (VCV002642246.24), dbSNP rs61746641, ClinGen allele CA6214445.

ClinVar aggregate classification (germline): Likely benign (1 of 4 stars; one submission).

Allele frequency attached by ClinVar (database versions not stated): 1000 Genomes Project 30x 0.00062; 1000 Genomes Project 0.00080; ExAC 0.00217; TOPMed 0.00322; gnomAD 0.00355; gnomAD exomes 0.00551.
gnomAD v4.1: 8,099 of 1,536,388 alleles (0.53%); highest among the groups gnomAD compares: Non-Finnish European, 0.65%; 45 homozygotes.

Submission:

CeGaT Center for Human Genetics Tuebingen
Classification: Likely benign. Last evaluated: 2022-06-01. Review status: criteria provided, single submitter. Criteria: CeGaT Center For Human Genetics Tuebingen Variant Classification Criteria Version 2. Collection method: clinical testing. Allele origin: germline. Affected: yes. Observed: 1 variant allele.
Comment: SYTL2: BP4, BS2